The following is an entry in ClinVar:

ClinVar aggregate classification (germline): Uncertain significance. Review status: criteria provided, multiple submitters, no conflicts (2 of 4 stars). 3 submissions from 3 submitters: Uncertain significance (3). Last evaluated 2024-12-25.

Conditions:
Legius syndrome. Identifiers: Orphanet 137605, MedGen C1969623, MONDO:0012669, OMIM 611431. Disease mechanism: loss of function.
Cardiovascular phenotype. Identifiers: MedGen CN230736.

Allele frequency attached by ClinVar (database versions not stated): gnomAD exomes below 0.00001 and 0.00002; ExAC 0.00001; TOPMed 0.00001.
gnomAD v4.1: 23 of 1,613,948 alleles (0.0014%); highest among the groups gnomAD compares: Non-Finnish European, 0.0019%; no homozygotes.

Submissions (3):

Ambry Genetics
Classification: Uncertain significance for Cardiovascular phenotype. Last evaluated: 2024-12-25. Review status: criteria provided, single submitter. Criteria: Ambry Variant Classification Scheme 2023. Collection method: clinical testing. Allele origin: germline.
Comment: The p.Q104R variant (also known as c.311A>G), located in coding exon 3 of the SPRED1 gene, results from an A to G substitution at nucleotide position 311. The glutamine at codon 104 is replaced by arginine, an amino acid with highly similar properties. This amino acid position is conserved. In addition, this alteration is predicted to be deleterious by in silico analysis. Based on the available evidence, the clinical significance of this variant remains unclear.

Labcorp Genetics (formerly Invitae), Labcorp
Classification: Uncertain significance for Legius syndrome. Last evaluated: 2024-12-10. Review status: criteria provided, single submitter. Criteria: Invitae Variant Classification Sherloc (09022015). Collection method: clinical testing. Allele origin: germline.
Comment: This sequence change replaces glutamine, which is neutral and polar, with arginine, which is basic and polar, at codon 104 of the SPRED1 protein (p.Gln104Arg). This variant is present in population databases (rs748376033, gnomAD 0.0009%). This variant has not been reported in the literature in individuals affected with SPRED1-related conditions. ClinVar contains an entry for this variant (Variation ID: 1305735). Invitae Evidence Modeling of protein sequence and biophysical properties (such as structural, functional, and spatial information, amino acid conservation, physicochemical variation, residue mobility, and thermodynamic stability) indicates that this missense variant is expected to disrupt SPRED1 protein function with a positive predictive value of 80%. In summary, the available evidence is currently insufficient to determine the role of this variant in disease. Therefore, it has been classified as a Variant of Uncertain Significance.

GeneDx
Classification: Uncertain significance. Last evaluated: 2019-05-06. Review status: criteria provided, single submitter. Criteria: GeneDx Variant Classification Process June 2021. Collection method: clinical testing. Allele origin: germline. Affected: yes.
Comment: In silico analysis, which includes protein predictors and evolutionary conservation, supports a deleterious effect; Has not been previously published as pathogenic or benign to our knowledge

NM_152594.3(SPRED1):c.311A>G (p.Gln104Arg)

Gene: SPRED1 (sprouty related EVH1 domain containing 1; plus strand). Cytogenetic location: 15q14.
Variant type: single nucleotide variant.
Coding change: c.311A>G on transcript NM_152594.3 (MANE Select); coding-DNA position 311, A replaced by G.
Protein change: p.Gln104Arg; replaces glutamine 104 with arginine.
Molecular consequence: missense variant.
Genome position (GRCh38, 1-based): chr15:38,322,344, A>G. VCF-style: chr15-38322344-A-G. GRCh37 (hg19) VCF-style: chr15-38614545-A-G.
Other names: short protein forms Q104R.
Identifiers: ClinVar variation 1305735 (VCV001305735.5), dbSNP rs748376033, ClinGen allele CA7470037.